The following is an entry in ClinVar:

NM_000719.7(CACNA1C):c.3489C>G (p.Gly1163=)

Gene: CACNA1C (calcium voltage-gated channel subunit alpha1 C; plus strand). Cytogenetic location: 12p13.33.
Variant type: single nucleotide variant.
Coding change: c.3489C>G on transcript NM_000719.7 (MANE Select); coding-DNA position 3489, C replaced by G.
Protein change: p.Gly1163=; no amino-acid change (glycine 1163 retained).
Molecular consequence: synonymous variant.
Genome position (GRCh38, 1-based): chr12:2,608,643, C>G. VCF-style: chr12-2608643-C-G. GRCh37 (hg19) VCF-style: chr12-2717809-C-G.
Other names: c.3549C>G, p.Gly1183= (NM_001129827.2, NM_001129832.2, NM_199460.4); c.3489C>G, p.Gly1163= (NM_001129829.2, NM_001129830.3, NM_001129831.2 and 15 more transcripts); c.3480C>G, p.Gly1160= (NM_001129844.2).
Identifiers: ClinVar variation 387429 (VCV000387429.16), dbSNP rs1057522786, ClinGen allele CA16606580.

ClinVar aggregate classification (germline): Likely benign. Review status: criteria provided, multiple submitters, no conflicts (2 of 4 stars). 5 submissions from 5 submitters: Likely benign (5). Last evaluated 2026-08-27.

Conditions:
Cardiovascular phenotype. Identifiers: MedGen CN230736.
CACNA1C-related disorder. Also called: CACNA1C-related disorders; CACNA1C-related condition. Identifiers: MedGen CN381092, MONDO:0700321.
Long QT syndrome (LQTS). Identifiers: MedGen C0023976, MeSH D008133, MONDO:0002442. Disease mechanism: loss of function. Inheritance: Various modes of inheritance.

Allele frequency attached by ClinVar (database versions not stated): gnomAD 0.00001; TOPMed 0.00001.
gnomAD v4.1: 39 of 1,613,948 alleles (0.0024%); highest among the groups gnomAD compares: Non-Finnish European, 0.0032%; no homozygotes.

Submissions (5):

PreventionGenetics, part of Exact Sciences
Classification: Likely benign for CACNA1C-related condition. Last evaluated: 2026-08-27. Review status: criteria provided, single submitter. Criteria: ACMG Guidelines, 2015. Collection method: clinical testing. Allele origin: germline.
Comment: This variant is classified as likely benign based on ACMG/AMP sequence variant interpretation guidelines (Richards et al. 2015 PMID: 25741868, with internal and published modifications).

Labcorp Genetics (formerly Invitae), Labcorp
Classification: Likely benign for Long QT syndrome. Last evaluated: 2025-12-02. Review status: criteria provided, single submitter. Criteria: Invitae Variant Classification Sherloc (09022015). Collection method: clinical testing. Allele origin: germline.

Ambry Genetics
Classification: Likely benign for Cardiovascular phenotype. Last evaluated: 2021-10-28. Review status: criteria provided, single submitter. Criteria: Ambry Variant Classification Scheme 2023. Collection method: clinical testing. Allele origin: germline.

Blueprint Genetics
Classification: Likely benign. Last evaluated: 2021-10-08. Review status: criteria provided, single submitter. Criteria: ACMG Guidelines, 2015. Collection method: clinical testing. Allele origin: germline.

GeneDx
Classification: Likely benign. Last evaluated: 2018-07-03. Review status: criteria provided, single submitter. Criteria: GeneDx Variant Classification Process June 2021. Collection method: clinical testing. Allele origin: germline. Affected: yes.